The following is an entry in ClinVar:

ClinVar aggregate classification (germline): Pathogenic (1 of 4 stars; one submission).

Submission:

GeneDx
Classification: Pathogenic. Last evaluated: 2015-03-31. Review status: criteria provided, single submitter. Criteria: GeneDx Variant Classification (06012015). Collection method: clinical testing. Allele origin: germline. Affected: yes.
Comment: The c.258_266delAGCTGCCTG variant in the EFNB1 gene causes an in-frame deletion that results in the loss of three amino acids, denoted p.Ala87_Cys89del. The c.258_266delAGCTGCCTG deletion has not been published as a pathogenic variant, nor has it been reported as abenign polymorphism to our knowledge. The c.258_266delAGCTGCCTG variant was not observed inapproximately 6,500 individuals of European and African American ancestry in the NHLBI ExomeSequencing Project, indicating it is not a common benign variant in these populations. This deletion involvesresidues that are conserved through mammals. Other in-frame deletions have been reported in associationwith craniofrontonasal syndrome (Stenson et al., 2014). Furthermore, missense variants involving one ofthe lost residues (C89R, C89Y) have been reported in the Human Gene Mutation Database in associationwith craniofrontonasal syndrome (Stenson et al., 2014), supporting the functional importance of this regionof the protein. Therefore, c.258_266delAGCTGCCTG is interpreted to be pathogenic.

NM_004429.5(EFNB1):c.258_266del (p.Ala87_Cys89del)

Gene: EFNB1 (ephrin B1; plus strand). Cytogenetic location: Xq13.1.
Variant type: Deletion.
Coding change: c.258_266del on transcript NM_004429.5 (MANE Select); coding-DNA positions 258 to 266, 9 bases deleted (AGCTGCCTG; older notation c.258_266delAGCTGCCTG).
Protein change: p.Ala87_Cys89del.
Molecular consequence: inframe deletion.
Genome position (GRCh38, 1-based): chrX:68,838,746-68,838,754, AGCTGCCTG deleted. VCF-style (leftmost placement, unchanged base first): chrX-68838745-CAGCTGCCTG-C. GRCh37 (hg19) VCF-style: chrX-68058588-CAGCTGCCTG-C.
Other names: c.258_266delAGCTGCCTG (NM_004429.4).
Identifiers: ClinVar variation 418794 (VCV000418794.2), dbSNP rs1064793438, ClinGen allele CA16621471.
Genomic context (GRCh38, chrX:68,838,745, plus strand): 5'-GAGCAGAAGCAGGGCGGCCCTATGAGTACTACAAGCTGTACCTGGTGCGGCCTGAGCAGG[CAGCTGCCTG>C]TAGCACAGTTCTCGACCCCAACGTGTTGGTCACCTGCAATAGGCCAGAGCAGGAAATACG-3'